The following is an entry in ClinVar:

NM_017671.5(FERMT1):c.227C>T (p.Thr76Ile)

Gene: FERMT1 (FERM domain containing kindlin 1; minus strand). Cytogenetic location: 20p12.3.
Variant type: single nucleotide variant.
Coding change: c.227C>T on transcript NM_017671.5 (MANE Select); coding-DNA position 227, C replaced by T.
Protein change: p.Thr76Ile; replaces threonine 76 with isoleucine.
Molecular consequence: missense variant.
Genome position (GRCh38, 1-based): chr20:6,115,969, G>A on the plus strand (C>T on the coding strand, the complement: FERMT1 is on the minus strand). VCF-style: chr20-6115969-G-A. GRCh37 (hg19) VCF-style: chr20-6096616-G-A.
Other names: c.227C>T (NM_017671.4); short protein forms T76I.
Identifiers: ClinVar variation 1374369 (VCV001374369.6), dbSNP rs202213120, ClinGen allele CA311232784.

ClinVar aggregate classification (germline): Uncertain significance. Review status: criteria provided, multiple submitters, no conflicts (2 of 4 stars). 2 submissions from 2 submitters: Uncertain significance (2). Last evaluated 2025-04-13.

Conditions:
Inborn genetic diseases. Identifiers: MedGen C0950123, MeSH D030342.

gnomAD v4.1: 40 of 1,614,048 alleles (0.0025%); highest among the groups gnomAD compares: Non-Finnish European, 0.0031%; no homozygotes.

Submissions (2):

Ambry Genetics
Classification: Uncertain significance for Inborn genetic diseases. Last evaluated: 2025-04-13. Review status: criteria provided, single submitter. Criteria: Ambry Variant Classification Scheme 2023. Collection method: clinical testing. Allele origin: germline.

Labcorp Genetics (formerly Invitae), Labcorp
Classification: Uncertain significance. Last evaluated: 2022-03-02. Review status: criteria provided, single submitter. Criteria: Invitae Variant Classification Sherloc (09022015). Collection method: clinical testing. Allele origin: germline.
Comment: This variant is not present in population databases (gnomAD no frequency). This variant has not been reported in the literature in individuals affected with FERMT1-related conditions. Algorithms developed to predict the effect of missense changes on protein structure and function (SIFT, PolyPhen-2, Align-GVGD) all suggest that this variant is likely to be disruptive. In summary, the available evidence is currently insufficient to determine the role of this variant in disease. Therefore, it has been classified as a Variant of Uncertain Significance. This sequence change replaces threonine, which is neutral and polar, with isoleucine, which is neutral and non-polar, at codon 76 of the FERMT1 protein (p.Thr76Ile).